The following is an entry in ClinVar:

NM_001430.5(EPAS1):c.1177C>A (p.Leu393Ile)

Gene: EPAS1 (endothelial PAS domain protein 1; plus strand). Cytogenetic location: 2p21.
Variant type: single nucleotide variant.
Coding change: c.1177C>A on transcript NM_001430.5 (MANE Select); coding-DNA position 1177, C replaced by A.
Protein change: p.Leu393Ile; replaces leucine 393 with isoleucine.
Molecular consequence: missense variant.
Genome position (GRCh38, 1-based): chr2:46,376,681, C>A. VCF-style: chr2-46376681-C-A. GRCh37 (hg19) VCF-style: chr2-46603820-C-A.
Other names: short protein forms L393I.
Identifiers: ClinVar variation 3221526 (VCV003221526.1), dbSNP rs2546471597, ClinGen allele CA346703352.

ClinVar aggregate classification (germline): Uncertain significance (1 of 4 stars; one submission).

Conditions:
Inborn genetic diseases. Identifiers: MedGen C0950123, MeSH D030342.

Submission:

Ambry Genetics
Classification: Uncertain significance for Inborn genetic diseases. Last evaluated: 2024-02-26. Review status: criteria provided, single submitter. Criteria: Ambry Variant Classification Scheme 2023. Collection method: clinical testing. Allele origin: germline.
Comment: The p.L393I variant (also known as c.1177C>A), located in coding exon 9 of the EPAS1 gene, results from a C to A substitution at nucleotide position 1177. The leucine at codon 393 is replaced by isoleucine, an amino acid with highly similar properties. This amino acid position is conserved. In addition, the in silico prediction for this alteration is inconclusive. Based on the available evidence, the clinical significance of this alteration remains unclear.